The following is an entry in ClinVar:

NM_015915.5(ATL1):c.1208G>C (p.Arg403Pro)

Gene: ATL1 (atlastin GTPase 1; plus strand). Cytogenetic location: 14q22.1.
Variant type: single nucleotide variant.
Coding change: c.1208G>C on transcript NM_015915.5 (MANE Select); coding-DNA position 1208, G replaced by C.
Protein change: p.Arg403Pro; replaces arginine 403 with proline.
Molecular consequence: missense variant.
Genome position (GRCh38, 1-based): chr14:50,628,119, G>C. VCF-style: chr14-50628119-G-C. GRCh37 (hg19) VCF-style: chr14-51094837-G-C.
Other names: c.1208G>C, p.Arg403Pro (NM_001127713.1, NM_181598.4); short protein forms R403P.
Identifiers: ClinVar variation 2504637 (VCV002504637.7), dbSNP rs972161717, ClinGen allele CA389675734.

ClinVar aggregate classification (germline): Likely pathogenic. Review status: criteria provided, multiple submitters, no conflicts (2 of 4 stars). 2 submissions from 2 submitters: Likely pathogenic (2). Last evaluated 2025-01-30.

Conditions:
Hereditary spastic paraplegia 3A (SPG3A). Also called: Spastic paraplegia 3A, autosomal dominant; SPASTIC PARAPLEGIA 3, AUTOSOMAL DOMINANT; FAMILIAL SPASTIC PARAPLEGIA, AUTOSOMAL DOMINANT, 1; SPG3; STRUMPELL DISEASE; Spastic Paraplegia 3A. Identifiers: Orphanet 100984, MedGen C2931355, MONDO:0008437, OMIM 182600.

Submissions (2):

Institute of Medical Genetics and Applied Genomics, University Hospital Tübingen
Classification: Likely pathogenic for Hereditary spastic paraplegia 3A. Last evaluated: 2025-01-30. Review status: criteria provided, single submitter. Criteria: ACMG Guidelines, 2015. Collection method: clinical testing. Allele origin: germline. Inheritance: Autosomal dominant inheritance. Affected: yes.
Comment: de novo

Clinical Omics and Informatics (COIN) Unit, Neuroscience Institute, University Of Cape Town
Classification: Likely pathogenic for Hereditary spastic paraplegia 3A. Last evaluated: 2024-05-22. Review status: criteria provided, single submitter. Criteria: ACMG Guidelines, 2015. Collection method: research. Allele origin: germline. Inheritance: Autosomal dominant inheritance. Affected: yes. Observed: 1 variant allele, 1 heterozygote.
Comment: PM2_supporting: This variant is absent from gnomAD v4.0 (adequate coverage >20x confirmed) and an internal database of 1074 control alleles. PP3_met: REVEL score is 0.725. PM1 met: variant occurs in exon 12 together with other pathogenic mutations (PMID 28396731). PM6_supporting: 0.5 points awarded for proband with phenotype consistent with gene but not highly specific and unconfirmed parental relationships (PMID 30008475). PS4_supporting: variant identified in 1 unrelated proband with consistent phenotype for disorder (PMID 30008475).Sequencing funded by the International Centre for Genomic Medicine in Neuromuscular Diseases (ICGNMD).

Literature cited by the submitters: PubMed 37712079 (cited by Clinical Omics and Informatics (COIN) Unit, Neuroscience Institute, University Of Cape Town); PubMed 28396731 (cited by Clinical Omics and Informatics (COIN) Unit, Neuroscience Institute, University Of Cape Town); PubMed 30008475 (cited by Clinical Omics and Informatics (COIN) Unit, Neuroscience Institute, University Of Cape Town).